The following is an entry in ClinVar:

ClinVar aggregate classification (germline): Uncertain significance (1 of 4 stars; one submission).

Submission:

Labcorp Genetics (formerly Invitae), Labcorp
Classification: Uncertain significance. Last evaluated: 2024-11-05. Review status: criteria provided, single submitter. Criteria: Invitae Variant Classification Sherloc (09022015). Collection method: clinical testing. Allele origin: germline.
Comment: This sequence change replaces serine, which is neutral and polar, with proline, which is neutral and non-polar, at codon 745 of the MERTK protein (p.Ser745Pro). This variant is not present in population databases (gnomAD no frequency). This variant has not been reported in the literature in individuals affected with MERTK-related conditions. ClinVar contains an entry for this variant (Variation ID: 2111976). Invitae Evidence Modeling of protein sequence and biophysical properties (such as structural, functional, and spatial information, amino acid conservation, physicochemical variation, residue mobility, and thermodynamic stability) indicates that this missense variant is expected to disrupt MERTK protein function with a positive predictive value of 80%. In summary, the available evidence is currently insufficient to determine the role of this variant in disease. Therefore, it has been classified as a Variant of Uncertain Significance.

NM_006343.3(MERTK):c.2233T>C (p.Ser745Pro)

Gene: MERTK (MER proto-oncogene, tyrosine kinase; plus strand). Cytogenetic location: 2q13.
Variant type: single nucleotide variant.
Coding change: c.2233T>C on transcript NM_006343.3 (MANE Select); coding-DNA position 2233, T replaced by C.
Protein change: p.Ser745Pro; replaces serine 745 with proline.
Molecular consequence: missense variant.
Genome position (GRCh38, 1-based): chr2:112,021,465, T>C. VCF-style: chr2-112021465-T-C. GRCh37 (hg19) VCF-style: chr2-112779042-T-C.
Other names: short protein forms S745P.
Identifiers: ClinVar variation 2111976 (VCV002111976.4), dbSNP rs2466914913, ClinGen allele CA348238915.
Genomic context (GRCh38, chr2:112,021,465, plus strand): 5'-TAACCTGCTCTCTGTAGGTTGCGAGATGACATGACTGTCTGTGTTGCGGACTTCGGCCTC[T>C]CTAAGAAGATTTACAGTGGCGATTATTACCGCCAAGGCCGCATTGCTAAGATGCCTGTTA-3'
Protein context (NP_006334.2, residues 735-755): MTVCVADFGL[Ser745Pro]KKIYSGDYYR